The following is an entry in ClinVar:

NM_016222.4(DDX41):c.50C>G (p.Pro17Arg)

Gene: DDX41 (DEAD-box helicase 41; minus strand). Cytogenetic location: 5q35.3.
Variant type: single nucleotide variant.
Coding change: c.50C>G on transcript NM_016222.4 (MANE Select); coding-DNA position 50, C replaced by G.
Protein change: p.Pro17Arg; replaces proline 17 with arginine.
Molecular consequence: missense variant. On other transcripts: 5 prime UTR variant (2).
Genome position (GRCh38, 1-based): chr5:177,516,813, G>C on the plus strand (C>G on the coding strand, the complement: DDX41 is on the minus strand). VCF-style: chr5-177516813-G-C. GRCh37 (hg19) VCF-style: chr5-176943814-G-C.
Other names: c.-606C>G (NM_001321732.2); c.-398C>G (NM_001321830.2); c.50C>G (NM_016222.2); short protein forms P17R.
Identifiers: ClinVar variation 2748222 (VCV002748222.4), dbSNP rs1761259465, ClinGen allele CA362377946.

ClinVar aggregate classification (germline): Conflicting classifications of pathogenicity. Review status: criteria provided, conflicting classifications (1 of 4 stars). 2 submissions from 2 submitters: Uncertain significance (1); Likely benign (1). Last evaluated 2025-04-02.

Conditions:
Inborn genetic diseases. Identifiers: MedGen C0950123, MeSH D030342.

Allele frequency attached by ClinVar (database versions not stated): gnomAD exomes 0.00001.
gnomAD v4.1: 8 of 1,612,600 alleles (0.0005%); highest among the groups gnomAD compares: Non-Finnish European, 0.00068%; no homozygotes.

Submissions (2):

Ambry Genetics
Classification: Likely benign for Inborn genetic diseases. Last evaluated: 2025-04-02. Review status: criteria provided, single submitter. Criteria: Ambry Variant Classification Scheme 2023. Collection method: clinical testing. Allele origin: germline.

Labcorp Genetics (formerly Invitae), Labcorp
Classification: Uncertain significance. Last evaluated: 2023-10-13. Review status: criteria provided, single submitter. Criteria: Invitae Variant Classification Sherloc (09022015). Collection method: clinical testing. Allele origin: germline.
Comment: This sequence change replaces proline, which is neutral and non-polar, with arginine, which is basic and polar, at codon 17 of the DDX41 protein (p.Pro17Arg). This variant is not present in population databases (gnomAD no frequency). This variant has not been reported in the literature in individuals affected with DDX41-related conditions. An algorithm developed to predict the effect of missense changes on protein structure and function (PolyPhen-2) suggests that this variant is likely to be tolerated. In summary, the available evidence is currently insufficient to determine the role of this variant in disease. Therefore, it has been classified as a Variant of Uncertain Significance.